The following is an entry in ClinVar:

ClinVar aggregate classification (germline): Uncertain significance (1 of 4 stars; one submission).

Conditions:
Hereditary cancer-predisposing syndrome. Also called: Neoplastic Syndromes, Hereditary; Tumor predisposition; Hereditary Cancer Syndrome; Hereditary neoplastic syndrome. Identifiers: Orphanet 140162, MedGen C0027672, MeSH D009386, MONDO:0015356.

Submission:

Ambry Genetics
Classification: Uncertain significance for Hereditary cancer-predisposing syndrome. Last evaluated: 2025-10-31. Review status: criteria provided, single submitter. Criteria: Ambry Variant Classification Scheme 2023. Collection method: clinical testing. Allele origin: germline.
Comment: The p.N1138D variant (also known as c.3412A>G), located in coding exon 20 of the DICER1 gene, results from an A to G substitution at nucleotide position 3412. The asparagine at codon 1138 is replaced by aspartic acid, an amino acid with highly similar properties. This amino acid position is conserved. In addition, this alteration is predicted to be tolerated by in silico analysis. Based on the available evidence, the clinical significance of this variant remains unclear.

NM_177438.3(DICER1):c.3412A>G (p.Asn1138Asp)

Gene: DICER1 (dicer 1, ribonuclease III; minus strand). Cytogenetic location: 14q32.13.
Variant type: single nucleotide variant.
Coding change: c.3412A>G on transcript NM_177438.3 (MANE Select); coding-DNA position 3412, A replaced by G.
Protein change: p.Asn1138Asp; replaces asparagine 1138 with aspartic acid.
Molecular consequence: missense variant. On other transcripts: non-coding transcript variant (6).
Genome position (GRCh38, 1-based): chr14:95,103,984, T>C on the plus strand (A>G on the coding strand, the complement: DICER1 is on the minus strand). VCF-style: chr14-95103984-T-C. GRCh37 (hg19) VCF-style: chr14-95570321-T-C.
Other names: c.3412A>G, p.Asn1138Asp (NM_001195573.1, NM_001271282.3, NM_001291628.2 and 13 more transcripts); c.3130A>G, p.Asn1044Asp (NM_001395686.1); c.3007A>G, p.Asn1003Asp (NM_001395687.1, NM_001395688.1, NM_001395689.1 and 2 more transcripts); c.2845A>G, p.Asn949Asp (NM_001395691.1); c.1729A>G, p.Asn577Asp (NM_001395697.1); short protein forms N1003D, N1138D, N949D, N577D, N1044D.
Identifiers: ClinVar variation 1731181 (VCV001731181.3), dbSNP rs2542715987, ClinGen allele CA390875550.